The following is an entry in ClinVar:

NM_014625.4(NPHS2):c.874-1G>A

Genes: AXDND1 (axonemal dynein light chain domain containing 1; plus strand), NPHS2 (NPHS2 stomatin family member, podocin; minus strand). Cytogenetic location: 1q25.2.
Variant type: single nucleotide variant.
Coding change: c.874-1G>A on transcript NM_014625.4 (MANE Select); the canonical splice acceptor site of the intron before coding-DNA position 874, G replaced by A.
Molecular consequence: splice acceptor variant. On other transcripts: intron variant (1).
Genome position (GRCh38, 1-based): chr1:179,551,452, C>T on the plus strand (G>A on the coding strand, the complement: NPHS2 is on the minus strand). VCF-style: chr1-179551452-C-T. GRCh37 (hg19) VCF-style: chr1-179520587-C-T.
Other names: c.3032-3060C>T (NM_144696.6); c.670-1G>A (NM_001297575.2).
Identifiers: ClinVar variation 552959 (VCV000552959.8), dbSNP rs776016942, ClinGen allele CA1267072.

ClinVar aggregate classification (germline): Pathogenic/Likely pathogenic. Review status: criteria provided, multiple submitters, no conflicts (2 of 4 stars). 3 submissions from 3 submitters: Pathogenic (1); Likely pathogenic (1). 1 of the submissions does not count toward it. Last evaluated 2023-04-11.

Conditions:
Nephrotic syndrome, type 2 (NPHS2). Also called: NEPHROTIC SYNDROME, STEROID-RESISTANT, AUTOSOMAL RECESSIVE. Identifiers: Orphanet 656, MedGen C1868672, MONDO:0010974, OMIM 600995.

Allele frequency attached by ClinVar (database versions not stated): ExAC 0.00001.
gnomAD v4.1: 11 of 1,613,028 alleles (0.00068%); highest among the groups gnomAD compares: South Asian, 0.011%; no homozygotes.

Submissions (3):

Genome-Nilou Lab
Classification: Likely pathogenic for Nephrotic syndrome, type 2. Last evaluated: 2023-04-11. Review status: criteria provided, single submitter. Criteria: ACMG Guidelines, 2015. Collection method: clinical testing. Allele origin: germline. Affected: no.

Labcorp Genetics (formerly Invitae), Labcorp
Classification: Pathogenic. Last evaluated: 2023-01-16. Review status: criteria provided, single submitter. Criteria: Invitae Variant Classification Sherloc (09022015). Collection method: clinical testing. Allele origin: germline.
Comment: For these reasons, this variant has been classified as Pathogenic. This variant disrupts a region of the NPHS2 protein in which other variant(s) (p.Ala317Leufs*31) have been determined to be pathogenic (PMID: 14978175, 18443213, 23242530). This suggests that this is a clinically significant region of the protein, and that variants that disrupt it are likely to be disease-causing. Variants that disrupt the consensus splice site are a relatively common cause of aberrant splicing (PMID: 17576681, 9536098). Algorithms developed to predict the effect of sequence changes on RNA splicing suggest that this variant may disrupt the consensus splice site. ClinVar contains an entry for this variant (Variation ID: 552959). Disruption of this splice site has been observed in individual(s) with focal segmental glomerulosclerosis (PMID: 18709391). This variant is present in population databases (rs776016942, gnomAD 0.003%). This sequence change affects an acceptor splice site in intron 7 of the NPHS2 gene. While this variant is not anticipated to result in nonsense mediated decay, it likely alters RNA splicing and results in a disrupted protein product.

Counsyl
Classification: Likely pathogenic for Nephrotic syndrome, type 2. Last evaluated: 2017-07-31. Review status: no assertion criteria provided. Collection method: clinical testing. Allele origin: unknown. Not counted in ClinVar's aggregate classification.

Literature cited by the submitters: PubMed 14978175 (cited by Labcorp Genetics (formerly Invitae), Labcorp); PubMed 18443213 (cited by Labcorp Genetics (formerly Invitae), Labcorp); PubMed 23242530 (cited by Labcorp Genetics (formerly Invitae), Labcorp); PubMed 17576681 (cited by Labcorp Genetics (formerly Invitae), Labcorp); PubMed 9536098 (cited by Labcorp Genetics (formerly Invitae), Labcorp); PubMed 18709391 (cited by Labcorp Genetics (formerly Invitae), Labcorp).